The following is an entry in ClinVar:

NM_000660.7(TGFB1):c.151G>T (p.Gly51Cys)

Genes: TGFB1 (transforming growth factor beta 1; minus strand), LOC130064510 (ATAC-STARR-seq lymphoblastoid silent region 10661; plus strand). Cytogenetic location: 19q13.2.
Variant type: single nucleotide variant.
Coding change: c.151G>T on transcript NM_000660.7 (MANE Select); coding-DNA position 151, G replaced by T.
Protein change: p.Gly51Cys; replaces glycine 51 with cysteine.
Molecular consequence: missense variant.
Genome position (GRCh38, 1-based): chr19:41,352,894, C>A on the plus strand (G>T on the coding strand, the complement: TGFB1 is on the minus strand). VCF-style: chr19-41352894-C-A. GRCh37 (hg19) VCF-style: chr19-41858799-C-A.
Other names: short protein forms G51C.
Identifiers: ClinVar variation 4740479 (VCV004740479.1).

ClinVar aggregate classification (germline): Uncertain significance (1 of 4 stars; one submission).

Submission:

Labcorp Genetics (formerly Invitae), Labcorp
Classification: Uncertain significance. Last evaluated: 2025-08-19. Review status: criteria provided, single submitter. Criteria: Invitae Variant Classification Sherloc (09022015). Collection method: clinical testing. Allele origin: germline.
Comment: This sequence change replaces glycine, which is neutral and non-polar, with cysteine, which is neutral and slightly polar, at codon 51 of the TGFB1 protein (p.Gly51Cys). This variant is not present in population databases (gnomAD no frequency). This variant has not been reported in the literature in individuals affected with TGFB1-related conditions. Invitae Evidence Modeling of protein sequence and biophysical properties (such as structural, functional, and spatial information, amino acid conservation, physicochemical variation, residue mobility, and thermodynamic stability) indicates that this missense variant is expected to disrupt TGFB1 protein function with a positive predictive value of 80%. In summary, the available evidence is currently insufficient to determine the role of this variant in disease. Therefore, it has been classified as a Variant of Uncertain Significance.